The following is an entry in ClinVar:

ClinVar aggregate classification (germline): Uncertain significance. Review status: criteria provided, multiple submitters, no conflicts (2 of 4 stars). 2 submissions from 2 submitters: Uncertain significance (2). Last evaluated 2026-06-02.

Conditions:
Mitochondrial complex II deficiency, nuclear type 1. Also called: SUCCINATE CoQ REDUCTASE DEFICIENCY. Identifiers: Orphanet 3208, MedGen C5700310, MONDO:0100294, OMIM 252011.
Pheochromocytoma/paraganglioma syndrome 5. Also called: Paragangliomas 5; SDHA-Related Hereditary Paraganglioma-Pheochromocytoma Syndrome. Identifiers: Orphanet 29072, MedGen C3279992, MONDO:0013602, OMIM 614165.
Hereditary cancer-predisposing syndrome. Also called: Neoplastic Syndromes, Hereditary; Hereditary Cancer Syndrome; Hereditary neoplastic syndrome; Tumor predisposition. Identifiers: Orphanet 140162, MedGen C0027672, MeSH D009386, MONDO:0015356.

Submissions (2):

Ambry Genetics
Classification: Uncertain significance for Hereditary cancer-predisposing syndrome. Last evaluated: 2026-06-02. Review status: criteria provided, single submitter. Criteria: Ambry Variant Classification Scheme 2023. Collection method: clinical testing. Allele origin: germline.
Comment: The p.S130C variant (also known as c.389C>G), located in coding exon 4 of the SDHA gene, results from a C to G substitution at nucleotide position 389. The serine at codon 130 is replaced by cysteine, an amino acid with dissimilar properties. This amino acid position is highly conserved in available vertebrate species. In addition, this alteration is predicted to be deleterious by in silico analysis. Based on the available evidence, the clinical significance of this variant remains unclear.

Labcorp Genetics (formerly Invitae), Labcorp
Classification: Uncertain significance for Pheochromocytoma/paraganglioma syndrome 5; Mitochondrial complex II deficiency, nuclear type 1. Last evaluated: 2024-05-07. Review status: criteria provided, single submitter. Criteria: Invitae Variant Classification Sherloc (09022015). Collection method: clinical testing. Allele origin: germline.
Comment: This sequence change replaces serine, which is neutral and polar, with cysteine, which is neutral and slightly polar, at codon 130 of the SDHA protein (p.Ser130Cys). This variant is not present in population databases (gnomAD no frequency). This variant has not been reported in the literature in individuals affected with SDHA-related conditions. ClinVar contains an entry for this variant (Variation ID: 472385). Advanced modeling of protein sequence and biophysical properties (such as structural, functional, and spatial information, amino acid conservation, physicochemical variation, residue mobility, and thermodynamic stability) has been performed at Invitae for this missense variant, however the output from this modeling did not meet the statistical confidence thresholds required to predict the impact of this variant on SDHA protein function. In summary, the available evidence is currently insufficient to determine the role of this variant in disease. Therefore, it has been classified as a Variant of Uncertain Significance.

NM_004168.4(SDHA):c.389C>G (p.Ser130Cys)

Gene: SDHA (succinate dehydrogenase complex flavoprotein subunit A; plus strand). Cytogenetic location: 5p15.33.
Variant type: single nucleotide variant.
Coding change: c.389C>G on transcript NM_004168.4 (MANE Select); coding-DNA position 389, C replaced by G.
Protein change: p.Ser130Cys; replaces serine 130 with cysteine.
Molecular consequence: missense variant. On other transcripts: intron variant (1).
Genome position (GRCh38, 1-based): chr5:225,495, C>G. VCF-style: chr5-225495-C-G. GRCh37 (hg19) VCF-style: chr5-225610-C-G.
Other names: c.389C>G, p.Ser130Cys (NM_001330758.2); c.313-388C>G (NM_001294332.2); short protein forms S130C.
Identifiers: ClinVar variation 472385 (VCV000472385.12), dbSNP rs1553997625, ClinGen allele CA359009441.